The following is an entry in ClinVar:

ClinVar aggregate classification (germline): Uncertain significance (1 of 4 stars; one submission).

Submission:

Women's Health and Genetics/Laboratory Corporation of America, LabCorp
Classification: Uncertain significance. Last evaluated: 2025-06-18. Review status: criteria provided, single submitter. Criteria: LabCorp Variant Classification Summary - May 2015. Collection method: clinical testing. Allele origin: germline.
Comment: Variant summary: PKD1 c.7484G>T (p.Cys2495Phe) results in a non-conservative amino acid change in the encoded protein sequence. Algorithms developed to predict the effect of missense changes on protein structure and function all suggest that this variant is likely to be disruptive. The variant was absent in 184192 control chromosomes. The available data on variant occurrences in the general population are insufficient to allow any conclusion about variant significance. To our knowledge, no occurrence of c.7484G>T in individuals affected with PKD1-Biallelic Autosomal Recessive Polycystic Kidney Disease and no experimental evidence demonstrating its impact on protein function have been reported. A different variant affecting the same codon has been classified as pathogenic by our lab (c.7483T>C, p.Cys2495Arg), supporting the critical relevance of codon 2495 to PKD1 protein function, however additional evidence is needed to make unequivocal conclusions about this variant. No submitters have cited clinical-significance assessments for this variant to ClinVar. Based on the evidence outlined above, the variant was classified as uncertain significance.

NM_001009944.3(PKD1):c.7484G>T (p.Cys2495Phe)

Gene: PKD1 (polycystin 1, transient receptor potential channel interacting; minus strand). Cytogenetic location: 16p13.3.
Variant type: single nucleotide variant.
Coding change: c.7484G>T on transcript NM_001009944.3 (MANE Select); coding-DNA position 7484, G replaced by T.
Protein change: p.Cys2495Phe; replaces cysteine 2495 with phenylalanine.
Molecular consequence: missense variant.
Genome position (GRCh38, 1-based): chr16:2,106,403, C>A on the plus strand (G>T on the coding strand, the complement: PKD1 is on the minus strand). VCF-style: chr16-2106403-C-A. GRCh37 (hg19) VCF-style: chr16-2156404-C-A.
Other names: c.7484G>T, p.Cys2495Phe (NM_000296.4); short protein forms C2495F.
Identifiers: ClinVar variation 3907015 (VCV003907015.1).